The following is an entry in ClinVar:

ClinVar aggregate classification (germline): Uncertain significance (1 of 4 stars; one submission).

gnomAD v4.1: 2 of 1,613,784 alleles (0.00012%); highest among the groups gnomAD compares: African/African-American, 0.0027%; no homozygotes.

Submission:

Labcorp Genetics (formerly Invitae), Labcorp
Classification: Uncertain significance. Last evaluated: 2025-12-02. Review status: criteria provided, single submitter. Criteria: Invitae Variant Classification Sherloc (09022015). Collection method: clinical testing. Allele origin: germline.
Comment: This sequence change replaces glycine, which is neutral and non-polar, with arginine, which is basic and polar, at codon 159 of the ALPK1 protein (p.Gly159Arg). This variant also falls at the last nucleotide of exon 5, which is part of the consensus splice site for this exon. The frequency data for this variant in the population databases is considered unreliable, as metrics indicate poor data quality at this position in the gnomAD database. This variant has not been reported in the literature in individuals affected with ALPK1-related conditions. An algorithm developed to predict the effect of missense changes on protein structure and function (PolyPhen-2) suggests that this variant is likely to be disruptive. Variants that disrupt the consensus splice site are a relatively common cause of aberrant splicing (PMID: 17576681, 9536098). Algorithms developed to predict the effect of sequence changes on RNA splicing suggest that this variant may disrupt the consensus splice site. In summary, the available evidence is currently insufficient to determine the role of this variant in disease. Therefore, it has been classified as a Variant of Uncertain Significance.

Literature cited by the submitters: PubMed 17576681; PubMed 9536098.

NM_025144.4(ALPK1):c.475G>A (p.Gly159Arg)

Gene: ALPK1 (alpha kinase 1; plus strand). Cytogenetic location: 4q25.
Variant type: single nucleotide variant.
Coding change: c.475G>A on transcript NM_025144.4 (MANE Select); coding-DNA position 475, G replaced by A.
Protein change: p.Gly159Arg; replaces glycine 159 with arginine.
Molecular consequence: missense variant.
Genome position (GRCh38, 1-based): chr4:112,412,025, G>A. VCF-style: chr4-112412025-G-A. GRCh37 (hg19) VCF-style: chr4-113333181-G-A.
Other names: c.475G>A, p.Gly159Arg (NM_001102406.2); c.241G>A, p.Gly81Arg (NM_001253884.2); short protein forms G159R, G81R.
Identifiers: ClinVar variation 4768990 (VCV004768990.1).